The following is an entry in ClinVar:

ClinVar aggregate classification (germline): Uncertain significance (1 of 4 stars; one submission).

Conditions:
Ellis-van Creveld syndrome (EVC). Also called: EVC-Related Ellis-van Creveld Syndrome; EVC2-Related Ellis-van Creveld Syndrome; MESOECTODERMAL DYSPLASIA; Chondroectodermal dysplasia. Identifiers: Orphanet 289, MedGen C0013903, MONDO:0009162, OMIM 225500.
Curry-Hall syndrome (WAD). Also called: WEYERS ACRODENTAL DYSOSTOSIS. Identifiers: Orphanet 952, MedGen C0457013, MONDO:0008673, OMIM 193530.

Submission:

Labcorp Genetics (formerly Invitae), Labcorp
Classification: Uncertain significance for Curry-Hall syndrome; Ellis-van Creveld syndrome. Last evaluated: 2024-12-12. Review status: criteria provided, single submitter. Criteria: Invitae Variant Classification Sherloc (09022015). Collection method: clinical testing. Allele origin: germline.
Comment: This sequence change replaces asparagine, which is neutral and polar, with aspartic acid, which is acidic and polar, at codon 468 of the EVC2 protein (p.Asn468Asp). This variant is present in population databases (no rsID available, gnomAD 0.0009%). This variant has not been reported in the literature in individuals affected with EVC2-related conditions. An algorithm developed to predict the effect of missense changes on protein structure and function (PolyPhen-2) suggests that this variant is likely to be tolerated. In summary, the available evidence is currently insufficient to determine the role of this variant in disease. Therefore, it has been classified as a Variant of Uncertain Significance.

NM_147127.5(EVC2):c.1402A>G (p.Asn468Asp)

Genes: EVC2 (EvC ciliary complex subunit 2; minus strand), LOC126806961 (BRD4-independent group 4 enhancer GRCh37_chr4:5641443-5642642; plus strand). Cytogenetic location: 4p16.2.
Variant type: single nucleotide variant.
Coding change: c.1402A>G on transcript NM_147127.5 (MANE Select); coding-DNA position 1402, A replaced by G.
Protein change: p.Asn468Asp; replaces asparagine 468 with aspartic acid.
Molecular consequence: missense variant.
Genome position (GRCh38, 1-based): chr4:5,640,582, T>C on the plus strand (A>G on the coding strand, the complement: EVC2 is on the minus strand). VCF-style: chr4-5640582-T-C. GRCh37 (hg19) VCF-style: chr4-5642309-T-C.
Other names: c.1162A>G, p.Asn388Asp (NM_001166136.2); short protein forms N388D, N468D.
Identifiers: ClinVar variation 3749326 (VCV003749326.2).